The following is an entry in ClinVar:

ClinVar aggregate classification (germline): Pathogenic. Review status: reviewed by expert panel (3 of 4 stars). 5 submissions from 5 submitters: Pathogenic (1). 4 of the submissions do not count toward it. Last evaluated 2016-09-08.

Conditions:
Hereditary cancer-predisposing syndrome. Also called: Neoplastic Syndromes, Hereditary; Hereditary Cancer Syndrome; Tumor predisposition; Hereditary neoplastic syndrome. Identifiers: Orphanet 140162, MedGen C0027672, MeSH D009386, MONDO:0015356.
Breast-ovarian cancer, familial, susceptibility to, 1 (BROVCA1). Also called: OVARIAN CANCER, SUSCEPTIBILITY TO; BRCA1 Hereditary Breast and Ovarian Cancer. Identifiers: Orphanet 145, MedGen C2676676, MONDO:0011450, OMIM 604370. Disease mechanism: loss of function.

Submissions (5):

Evidence-based Network for the Interpretation of Germline Mutant Alleles (ENIGMA)
Classification: Pathogenic for Breast-ovarian cancer, familial, susceptibility to, 1. Last evaluated: 2016-09-08. Review status: reviewed by expert panel. Criteria: ENIGMA BRCA1/2 Classification Criteria (2015). Collection method: curation. Allele origin: germline.
Comment: Variant allele predicted to encode a truncated non-functional protein.

Ambry Genetics
Classification: Pathogenic for Hereditary cancer-predisposing syndrome. Last evaluated: 2024-04-02. Review status: criteria provided, single submitter. Criteria: Ambry Variant Classification Scheme 2023. Collection method: clinical testing. Allele origin: germline. Not counted in ClinVar's aggregate classification.
Comment: The c.4038_4041delAAGA pathogenic mutation, located in coding exon 9 of the BRCA1 gene, results from a deletion of 4 nucleotides at nucleotide positions 4038 to 4041, causing a translational frameshift with a predicted alternate stop codon (p.R1347Efs*18). This variant is considered to be rare based on population cohorts in the Genome Aggregation Database (gnomAD). This alteration is expected to result in loss of function by premature protein truncation or nonsense-mediated mRNA decay. As such, this alteration is interpreted as a disease-causing mutation.

Consortium of Investigators of Modifiers of BRCA1/2 (CIMBA), c/o University of Cambridge
Classification: Pathogenic for Breast-ovarian cancer, familial, susceptibility to, 1. Last evaluated: 2015-10-02. Review status: criteria provided, single submitter. Criteria: CIMBA Mutation Classification guidelines May 2016. Collection method: clinical testing. Allele origin: germline. Not counted in ClinVar's aggregate classification.

Juno Genomics, Hangzhou Juno Genomics, Inc
Classification: Pathogenic for Breast-ovarian cancer, familial, susceptibility to, 1. Review status: criteria provided, single submitter. Criteria: ACMG Guidelines, 2015. Collection method: clinical testing. Allele origin: germline. Not counted in ClinVar's aggregate classification.
Comment: Null variant in a gene where loss of function (LOF) is a known mechanism of disease.;Novel missense change at an amino acid residue where a different missense change determined to be pathogenic has been seen before.

Sharing Clinical Reports Project (SCRP)
Classification: Pathogenic for Breast-ovarian cancer, familial 1. Last evaluated: 2012-05-01. Review status: no assertion criteria provided. Collection method: clinical testing. Allele origin: germline. Not counted in ClinVar's aggregate classification.

NM_007294.4(BRCA1):c.4038_4041del (p.Arg1347fs)

Genes: BRCA1 (BRCA1 DNA repair associated; minus strand), LOC126862571 (BRD4-independent group 4 enhancer GRCh37_chr17:41243136-41244335; plus strand). Cytogenetic location: 17q21.31.
Variant type: Microsatellite.
Coding change: c.4038_4041del on transcript NM_007294.4 (MANE Select); coding-DNA positions 4038 to 4041, 4 bases deleted (AAGA; older notation c.4038_4041delAAGA).
Protein change: p.Arg1347fs; shifts the reading frame from arginine 1347.
Molecular consequence: frameshift variant. On other transcripts: intron variant (135).
Genome position (GRCh38, 1-based): chr17:43,091,490-43,091,493, TCTT deleted on the plus strand (AAGA on the coding strand, the reverse complement: BRCA1 is on the minus strand); deleting any 4 consecutive bases within chr17:43,091,490-43,091,497 gives the same sequence; the c. name uses the placement nearest the transcript's 3' end. VCF-style (leftmost placement, unchanged base first): chr17-43091489-CTCTT-C. GRCh37 (hg19) VCF-style: chr17-41243506-CTCTT-C.
Other names: 4157del4; c.4038_4041delAAGA (NM_007294.3); c.3825_3828del, p.Arg1276fs (NM_001407571.1, NM_001407853.1, NM_001407894.1 and 9 more transcripts); c.4038_4041del, p.Arg1347fs (NM_001407581.1, NM_001407582.1, NM_001407583.1 and 30 more transcripts); c.4035_4038del, p.Arg1346fs (NM_001407587.1, NM_001407590.1, NM_001407591.1 and 22 more transcripts); c.4029_4032del, p.Arg1344fs (NM_001407646.1, NM_001407647.1); c.3915_3918del, p.Arg1306fs (NM_001407648.1, NM_001407664.1, NM_001407665.1 and 19 more transcripts); c.3912_3915del, p.Arg1305fs (NM_001407649.1, NM_001407670.1, NM_001407671.1 and 11 more transcripts); and 43 more; short protein forms R1347fs, R1300fs, R1051fs, R1179fs, R1219fs, R1259fs, R1279fs, R1321fs.
Identifiers: ClinVar variation 96923 (VCV000096923.10), dbSNP rs431825404, ClinGen allele CA002577.